The following is an entry in ClinVar:

NM_000245.4(MET):c.1132G>A (p.Val378Ile)

Gene: MET (MET proto-oncogene, receptor tyrosine kinase; plus strand). Cytogenetic location: 7q31.2.
Variant type: single nucleotide variant.
Coding change: c.1132G>A on transcript NM_000245.4 (MANE Select); coding-DNA position 1132, G replaced by A.
Protein change: p.Val378Ile; replaces valine 378 with isoleucine.
Molecular consequence: missense variant. On other transcripts: intron variant (1).
Genome position (GRCh38, 1-based): chr7:116,700,216, G>A. VCF-style: chr7-116700216-G-A. GRCh37 (hg19) VCF-style: chr7-116340270-G-A.
Other names: c.1132G>A, p.Val378Ile (NM_001127500.3, NM_001324401.3); c.-91+27639G>A (NM_001324402.2); c.1132G>A (NM_000245.2, NM_001127500.2); short protein forms V378I.
Identifiers: ClinVar variation 188364 (VCV000188364.44), dbSNP rs749738523, ClinGen allele CA334728.

ClinVar aggregate classification (germline): Conflicting classifications of pathogenicity. Review status: criteria provided, conflicting classifications (1 of 4 stars). 13 submissions from 13 submitters: Uncertain significance (7); Benign (1); Likely benign (5). Last evaluated 2026-03-27.

Conditions:
Hereditary papillary renal cell carcinoma. Identifiers: Orphanet 47044, MedGen C0879257, MONDO:0003789.
MET-related disorder. Also called: MET-related condition.
Renal cell carcinoma. Identifiers: Orphanet 217071, MedGen C0007134, MeSH D002292, MONDO:0005086, HP:0005584.
Autosomal recessive nonsyndromic hearing loss 97. Also called: Deafness, autosomal recessive 97. Identifiers: Orphanet 90636, MedGen C4084709, MONDO:0014739, OMIM 616705.
Papillary renal cell carcinoma type 1 (RCCP1). Also called: Renal adenocarcinoma; Renal cell carcinoma 1; Renal cell carcinoma, somatic; RENAL CELL CARCINOMA, PAPILLARY, 1, SOMATIC. Identifiers: Orphanet 47044, MedGen C1336839, OMIM 605074, HP:0011797.
Arthrogryposis, distal, IIa 11. Also called: Arthrogryposis, distal, type 11. Identifiers: MedGen C5774205, MONDO:0031045, OMIM 620019.
Osteofibrous dysplasia (OSFD). Also called: Tibia, bowing of, with pseudarthrosis and pectus excavatum. Identifiers: Orphanet 488265, MedGen C4085248, MONDO:0011806, OMIM 607278.
Hepatocellular carcinoma (HCC). Also called: Primary carcinoma of liver; HEPATOMA; LIVER CELL CARCINOMA. Identifiers: Orphanet 88673, MedGen C2239176, MONDO:0007256, OMIM 114550, HP:0001402.
Hereditary cancer-predisposing syndrome. Also called: Tumor predisposition; Neoplastic Syndromes, Hereditary; Hereditary Cancer Syndrome; Hereditary neoplastic syndrome. Identifiers: Orphanet 140162, MedGen C0027672, MeSH D009386, MONDO:0015356.

Allele frequency attached by ClinVar (database versions not stated): ExAC 0.00003; gnomAD 0.00004; gnomAD exomes 0.00004; TOPMed 0.00005.
gnomAD v4.1: 65 of 1,596,092 alleles (0.0041%); highest among the groups gnomAD compares: Middle Eastern, 0.017%; no homozygotes.

Submissions (13):

Women's Health and Genetics/Laboratory Corporation of America, LabCorp
Classification: Likely benign. Last evaluated: 2026-03-27. Review status: criteria provided, single submitter. Criteria: LabCorp Variant Classification Summary - May 2015. Collection method: clinical testing. Allele origin: germline.
Comment: Variant summary: MET c.1132G>A (p.Val378Ile) results in a conservative amino acid change in the encoded protein sequence. Algorithms developed to predict the effect of missense changes on protein structure and function are either unavailable or do not agree on the potential impact of this missense change. The variant allele was found at a frequency of 4.3e-05 in 230896 control chromosomes. The observed variant frequency exceeds the estimated maximal expected allele frequency for disease-causing variants in MET. To our knowledge, no occurrence of c.1132G>A in individuals affected with MET-related conditions and no experimental evidence demonstrating its impact on protein function have been reported. ClinVar contains an entry for this variant (Variation ID: 188364). Based on the evidence outlined above, the variant was classified as likely benign.

PreventionGenetics, part of Exact Sciences
Classification: Uncertain significance for MET-related condition. Last evaluated: 2026-03-17. Review status: criteria provided, single submitter. Criteria: ACMG Guidelines, 2015. Collection method: clinical testing. Allele origin: germline.
Comment: The MET c.1132G>A variant is predicted to result in the amino acid substitution p.Val378Ile. To our knowledge, this variant has not been reported in the literature. This variant is reported in 0.0065% of alleles in individuals of European (Non-Finnish) descent in gnomAD and has conflicting interpretations regarding its pathogenicity in ClinVar, ranging from likely benign to uncertain (Variation ID: 188364). Although we suspect that this variant may be benign, at this time, the clinical significance of this variant is uncertain due to the absence of conclusive functional and genetic evidence.

Labcorp Genetics (formerly Invitae), Labcorp
Classification: Benign for Renal cell carcinoma. Last evaluated: 2026-01-30. Review status: criteria provided, single submitter. Criteria: Invitae Variant Classification Sherloc (09022015). Collection method: clinical testing. Allele origin: germline.

Quest Diagnostics Nichols Institute San Juan Capistrano
Classification: Uncertain significance. Last evaluated: 2025-02-11. Review status: criteria provided, single submitter. Criteria: Quest Diagnostics criteria. Collection method: clinical testing. Allele origin: unknown.

CeGaT Center for Human Genetics Tuebingen
Classification: Likely benign. Last evaluated: 2024-10-01. Review status: criteria provided, single submitter. Criteria: CeGaT Center For Human Genetics Tuebingen Variant Classification Criteria Version 2. Collection method: clinical testing. Allele origin: germline. Affected: yes. Observed: 1 variant allele.
Comment: MET: BP4

Blueprint Genetics
Classification: Uncertain significance. Last evaluated: 2024-07-23. Review status: criteria provided, single submitter. Criteria: ACMG Guidelines, 2015. Collection method: clinical testing. Allele origin: germline.

Molecular Pathology, Peter Maccallum Cancer Centre
Classification: Uncertain significance for Hereditary papillary renal cell carcinoma. Last evaluated: 2024-03-06. Review status: criteria provided, single submitter. Criteria: ACMG Guidelines, 2015. Collection method: clinical testing. Allele origin: germline. Inheritance: Autosomal dominant inheritance.

GeneDx
Classification: Likely benign. Last evaluated: 2024-03-04. Review status: criteria provided, single submitter. Criteria: GeneDx Variant Classification Process June 2021. Collection method: clinical testing. Allele origin: germline. Affected: yes.
Comment: See Variant Classification Assertion Criteria.

Baylor Genetics
Classification: Uncertain significance for Autosomal recessive nonsyndromic hearing loss 97. Last evaluated: 2023-10-09. Review status: criteria provided, single submitter. Criteria: ACMG Guidelines, 2015. Collection method: clinical testing. Allele origin: unknown.

Ambry Genetics
Classification: Likely benign for Hereditary cancer-predisposing syndrome. Last evaluated: 2021-10-12. Review status: criteria provided, single submitter. Criteria: Ambry Variant Classification Scheme 2023. Collection method: clinical testing. Allele origin: germline.

Department of Pathology and Laboratory Medicine, Sinai Health System
Classification: Uncertain significance for Hepatocellular carcinoma; Papillary renal cell carcinoma type 1; Osteofibrous dysplasia; Autosomal recessive nonsyndromic hearing loss 97; Arthrogryposis, distal, IIa 11. Last evaluated: 2021-07-30. Review status: criteria provided, single submitter. Criteria: ACMG Guidelines, 2015. Collection method: research. Allele origin: germline.

Sema4
Classification: Uncertain significance for Hereditary cancer-predisposing syndrome. Last evaluated: 2021-06-04. Review status: criteria provided, single submitter. Criteria: Sema4 Curation Guidelines. Collection method: curation. Allele origin: germline.
Comment: The MET c.1132G>A (p.V378I) variant has been reported as a somatic variant in 6 individuals with prostate cancer (PMID 26887047). This variant was observed in 8/123024 chromosomes in the European Non-Finnish subpopulation according to the Genome Aggregation Database (PMID: 32461654). This variant has been reported in ClinVar (Variation ID 188364). In silico tools suggest the impact of the variant on protein function is inconclusive, though these predictions have not been confirmed by functional studies.The overall evidence is insufficient to meet ACMG/AMP criteria for classifying it as benign or pathogenic. In summary, the clinical significance of this variant is currently uncertain.

Illumina Laboratory Services, Illumina
Classification: Likely benign for Papillary renal cell carcinoma type 1. Last evaluated: 2017-04-27. Review status: criteria provided, single submitter. Criteria: ICSL Variant Classification Criteria 13 December 2019. Collection method: clinical testing. Allele origin: germline.
Comment: This variant was observed as part of a predisposition screen in an ostensibly healthy population. A literature search was performed for the gene, cDNA change, and amino acid change (where applicable). Publications were found based on this search. The evidence from the literature, in combination with allele frequency data from public databases where available, was sufficient to determine this variant is unlikely to cause disease. Therefore, this variant is classified as likely benign.

Literature cited by the submitters: PubMed 26887047 (cited by 3 submitters).